The following is an entry in ClinVar:

NM_014314.4(RIGI):c.2152G>A (p.Val718Met)

Gene: RIGI (RNA sensor RIG-I; minus strand). Cytogenetic location: 9p21.1.
Variant type: single nucleotide variant.
Coding change: c.2152G>A on transcript NM_014314.4 (MANE Select); coding-DNA position 2152, G replaced by A.
Protein change: p.Val718Met; replaces valine 718 with methionine.
Molecular consequence: missense variant. On other transcripts: intron variant (1).
Genome position (GRCh38, 1-based): chr9:32,467,795, C>T on the plus strand (G>A on the coding strand, the complement: RIGI is on the minus strand). VCF-style: chr9-32467795-C-T. GRCh37 (hg19) VCF-style: chr9-32467793-C-T.
Other names: c.2146G>A, p.Val716Met (NM_001385907.1); c.1711G>A, p.Val571Met (NM_001385910.1); c.1543G>A, p.Val515Met (NM_001385912.1); c.2137G>A, p.Val713Met (NM_001385913.1); c.1708G>A, p.Val570Met (NM_001385914.1); c.2015-1354G>A (NM_001385909.1); short protein forms V713M, V716M, V571M, V515M, V570M, V718M.
Identifiers: ClinVar variation 2797024 (VCV002797024.3), dbSNP rs2489295755, ClinGen allele CA373146036.

ClinVar aggregate classification (germline): Uncertain significance (1 of 4 stars; one submission).

Allele frequency attached by ClinVar (database versions not stated): gnomAD exomes below 0.00001.
gnomAD v4.1: 6 of 1,603,498 alleles (0.00037%); highest among the groups gnomAD compares: Non-Finnish European, 0.00051%; no homozygotes.

Submission:

Labcorp Genetics (formerly Invitae), Labcorp
Classification: Uncertain significance. Last evaluated: 2023-12-27. Review status: criteria provided, single submitter. Criteria: Invitae Variant Classification Sherloc (09022015). Collection method: clinical testing. Allele origin: germline.
Comment: This sequence change replaces valine, which is neutral and non-polar, with methionine, which is neutral and non-polar, at codon 718 of the DDX58 protein (p.Val718Met). This variant is not present in population databases (gnomAD no frequency). This variant has not been reported in the literature in individuals affected with DDX58-related conditions. Advanced modeling of protein sequence and biophysical properties (such as structural, functional, and spatial information, amino acid conservation, physicochemical variation, residue mobility, and thermodynamic stability) performed at Invitae indicates that this missense variant is not expected to disrupt DDX58 protein function with a negative predictive value of 80%. In summary, the available evidence is currently insufficient to determine the role of this variant in disease. Therefore, it has been classified as a Variant of Uncertain Significance.